The following is an entry in ClinVar:

ClinVar aggregate classification (germline): Uncertain significance (1 of 4 stars; one submission).

Allele frequency attached by ClinVar (database versions not stated): gnomAD exomes 0.00001; ExAC 0.00002.
gnomAD v4.1: 15 of 1,614,086 alleles (0.00093%); highest among the groups gnomAD compares: Admixed American, 0.005%; no homozygotes.

Submission:

Labcorp Genetics (formerly Invitae), Labcorp
Classification: Uncertain significance. Last evaluated: 2025-10-17. Review status: criteria provided, single submitter. Criteria: Invitae Variant Classification Sherloc (09022015). Collection method: clinical testing. Allele origin: germline.
Comment: This sequence change replaces valine, which is neutral and non-polar, with methionine, which is neutral and non-polar, at codon 460 of the TBX18 protein (p.Val460Met). This variant is present in population databases (rs535362046, gnomAD 0.003%). This variant has not been reported in the literature in individuals affected with TBX18-related conditions. ClinVar contains an entry for this variant (Variation ID: 2711877). Invitae Evidence Modeling of protein sequence and biophysical properties (such as structural, functional, and spatial information, amino acid conservation, physicochemical variation, residue mobility, and thermodynamic stability) indicates that this missense variant is not expected to disrupt TBX18 protein function with a negative predictive value of 80%. In summary, the available evidence is currently insufficient to determine the role of this variant in disease. Therefore, it has been classified as a Variant of Uncertain Significance.

NM_001080508.3(TBX18):c.1378G>A (p.Val460Met)

Gene: TBX18 (T-box transcription factor 18; minus strand). Cytogenetic location: 6q14.3.
Variant type: single nucleotide variant.
Coding change: c.1378G>A on transcript NM_001080508.3 (MANE Select); coding-DNA position 1378, G replaced by A.
Protein change: p.Val460Met; replaces valine 460 with methionine.
Molecular consequence: missense variant.
Genome position (GRCh38, 1-based): chr6:84,737,131, C>T on the plus strand (G>A on the coding strand, the complement: TBX18 is on the minus strand). VCF-style: chr6-84737131-C-T. GRCh37 (hg19) VCF-style: chr6-85446849-C-T.
Other names: short protein forms V460M.
Identifiers: ClinVar variation 2711877 (VCV002711877.3), dbSNP rs535362046, ClinGen allele CA3910843.